The following is an entry in ClinVar:

ClinVar aggregate classification (germline): Uncertain significance (1 of 4 stars; one submission).

Conditions:
Tumor predisposition syndrome 3 (TPDS3). Also called: Melanoma, cutaneous malignant, susceptibility to, 10; Glioma susceptibility 9; LONG TELOMERE SYNDROME, POT1-RELATED; POT1 Tumor Predisposition. Identifiers: Orphanet 618, MedGen C4014476, MONDO:0014368, OMIM 615848.

Submission:

Labcorp Genetics (formerly Invitae), Labcorp
Classification: Uncertain significance for Tumor predisposition syndrome 3. Last evaluated: 2021-11-24. Review status: criteria provided, single submitter. Criteria: Invitae Variant Classification Sherloc (09022015). Collection method: clinical testing. Allele origin: germline.
Comment: Algorithms developed to predict the effect of missense changes on protein structure and function are either unavailable or do not agree on the potential impact of this missense change (SIFT: "Deleterious"; PolyPhen-2: "Probably Damaging"; Align-GVGD: "Class C0"). This variant has not been reported in the literature in individuals affected with POT1-related conditions. This variant is not present in population databases (gnomAD no frequency). This sequence change replaces isoleucine, which is neutral and non-polar, with phenylalanine, which is neutral and non-polar, at codon 586 of the POT1 protein (p.Ile586Phe). In summary, the available evidence is currently insufficient to determine the role of this variant in disease. Therefore, it has been classified as a Variant of Uncertain Significance.

NM_015450.3(POT1):c.1756A>T (p.Ile586Phe)

Gene: POT1 (protection of telomeres 1; minus strand). Cytogenetic location: 7q31.33.
Variant type: single nucleotide variant.
Coding change: c.1756A>T on transcript NM_015450.3 (MANE Select); coding-DNA position 1756, A replaced by T.
Protein change: p.Ile586Phe; replaces isoleucine 586 with phenylalanine.
Molecular consequence: missense variant. On other transcripts: non-coding transcript variant (3).
Genome position (GRCh38, 1-based): chr7:124,825,288, T>A on the plus strand (A>T on the coding strand, the complement: POT1 is on the minus strand). VCF-style: chr7-124825288-T-A. GRCh37 (hg19) VCF-style: chr7-124465342-T-A.
Other names: c.1363A>T, p.Ile455Phe (NM_001042594.2); short protein forms I455F, I586F.
Identifiers: ClinVar variation 1394860 (VCV001394860.6), dbSNP rs1554415137, ClinGen allele CA369062244.
Genomic context (GRCh38, chr7:124,825,288, plus strand): 5'-GATTGTTAAAATATTCTTGCCTACCAATTTTTATTCCTGGAGGACAAAACATATCCATGA[T>A]CATATCCACACTTTTCTGAAGGTCATCATCCATCAGAACTTCTGATGCTGGAATCTGGAA-3'
Protein context (NP_056265.2, residues 576-596): DDDLQKSVDM[Ile586Phe]MDMFCPPGIK